The following is an entry in ClinVar:

NM_001130987.2(DYSF):c.1192del (p.Ser398fs)

Gene: DYSF (dysferlin; plus strand). Cytogenetic location: 2p13.2.
Variant type: Deletion.
Coding change: c.1192del on transcript NM_001130987.2 (MANE Select); coding-DNA position 1192, one base deleted (A; older notation c.1192delA).
Protein change: p.Ser398fs; shifts the reading frame from serine 398.
Molecular consequence: frameshift variant.
Genome position (GRCh38, 1-based): chr2:71,526,262, A deleted; the last of 3 consecutive A bases (chr2:71,526,260-71,526,262); deleting any one gives the same sequence. VCF-style (leftmost placement, unchanged base first): chr2-71526259-GA-G. GRCh37 (hg19) VCF-style: chr2-71753389-GA-G.
Other names: c.1096delA (NM_003494.3); c.1099del, p.Ser367fs (NM_001130455.2, NM_001130983.2, NM_001130984.2 and 1 more transcripts); c.1096del, p.Ser366fs (NM_001130976.2, NM_001130977.2, NM_001130978.2 and 1 more transcripts); c.1189del, p.Ser397fs (NM_001130979.2, NM_001130980.2, NM_001130981.2); c.1192del, p.Ser398fs (NM_001130982.2, NM_001130985.2); short protein forms S398fs, S397fs, S366fs, S367fs.
Identifiers: ClinVar variation 941808 (VCV000941808.14), dbSNP rs2087887269, ClinGen allele CA1139657081.

ClinVar aggregate classification (germline): Pathogenic/Likely pathogenic. Review status: criteria provided, multiple submitters, no conflicts (2 of 4 stars). 4 submissions from 4 submitters: Pathogenic (2); Likely pathogenic (2). Last evaluated 2025-05-01.

Conditions:
Autosomal recessive limb-girdle muscular dystrophy type 2B (LGMDR2). Also called: Limb-girdle muscular dystrophy, type 2B; MUSCULAR DYSTROPHY, LIMB-GIRDLE, AUTOSOMAL RECESSIVE 2; Limb-Girdle Muscular Dystrophy Type 2B (LGMD2B); MUSCULAR DYSTROPHY, LIMB-GIRDLE, TYPE 3. Identifiers: Orphanet 268, MedGen C1850889, MONDO:0009676, OMIM 253601.
Neuromuscular disease caused by qualitative or quantitative defects of dysferlin. Also called: Qualitative or quantitative defects of dysferlin; Dysferlinopathy. Identifiers: Orphanet 207073, MedGen C2931687, MONDO:0016145.
Miyoshi muscular dystrophy 1 (MMD1). Identifiers: Orphanet 45448, MedGen C4551973, MONDO:0024545, OMIM 254130.

Submissions (4):

Natera, Inc.
Classification: Likely pathogenic for Limb-girdle muscular dystrophy type 2B. Last evaluated: 2025-05-01. Review status: criteria provided, single submitter. Criteria: Natera Variant Classification Schema (03/2026). Collection method: clinical testing. Allele origin: germline.
Comment: The c.1096delA variant in DYSF is a frameshift variant predicted to shift the reading frame beginning at codon 366 and leads to a stop codon 9 codons downstream. This variant is expected to result in nonsense mediated decay, truncation, or a dysfunctional protein product. This variant is rare in the general population with a frequency below the threshold expected for the associated phenotype(s). Given the available evidence, this variant is classified as Likely Pathogenic.

Revvity Omics, Revvity
Classification: Pathogenic. Last evaluated: 2024-09-25. Review status: criteria provided, single submitter. Criteria: ACMG Guidelines, 2015. Collection method: clinical testing. Allele origin: germline.

Labcorp Genetics (formerly Invitae), Labcorp
Classification: Pathogenic for Neuromuscular disease caused by qualitative or quantitative defects of dysferlin. Last evaluated: 2024-02-13. Review status: criteria provided, single submitter. Criteria: Invitae Variant Classification Sherloc (09022015). Collection method: clinical testing. Allele origin: germline.
Comment: This sequence change creates a premature translational stop signal (p.Ser366Alafs*9) in the DYSF gene. It is expected to result in an absent or disrupted protein product. Loss-of-function variants in DYSF are known to be pathogenic (PMID: 17698709, 20301480). This variant is not present in population databases (gnomAD no frequency). This variant has not been reported in the literature in individuals affected with DYSF-related conditions. ClinVar contains an entry for this variant (Variation ID: 941808). For these reasons, this variant has been classified as Pathogenic.

Baylor Genetics
Classification: Likely pathogenic for Miyoshi muscular dystrophy 1. Last evaluated: 2023-12-17. Review status: criteria provided, single submitter. Criteria: ACMG Guidelines, 2015. Collection method: clinical testing. Allele origin: unknown.

Literature cited by the submitters: PubMed 17698709 (cited by Labcorp Genetics (formerly Invitae), Labcorp); PubMed 20301480 (cited by Labcorp Genetics (formerly Invitae), Labcorp).